The following is an entry in ClinVar:

NC_000011.9:g.(?_108119686)_(108120192_?)del

Gene: ATM (ATM serine/threonine kinase; plus strand). Cytogenetic location: 11q22.3.
Variant type: Deletion.
Identifiers: ClinVar variation 3244505 (VCV003244505.1).

ClinVar aggregate classification (germline): Likely pathogenic (1 of 4 stars; one submission).

Conditions:
Ataxia-telangiectasia syndrome (AT). Also called: LOUIS-BAR SYNDROME; Cerebello-oculocutaneous telangiectasia; Immunodeficiency with ataxia telangiectasia; AT, COMPLEMENTATION GROUP C; Ataxia-telangiectasia, complementation group D; ATAXIA-TELANGIECTASIA, COMPLEMENTATION GROUP A. Identifiers: Orphanet 100, MedGen C0004135, MONDO:0008840, OMIM 208900.

Submission:

Labcorp Genetics (formerly Invitae), Labcorp
Classification: Likely pathogenic for Ataxia-telangiectasia syndrome. Last evaluated: 2019-10-26. Review status: criteria provided, single submitter. Criteria: Invitae Variant Classification Sherloc (09022015). Collection method: clinical testing. Allele origin: unknown.
Comment: In summary, the currently available evidence indicates that the variant is pathogenic, but additional data are needed to prove that conclusively. Therefore, this variant has been classified as Likely Pathogenic. Loss-of-function variants in ATM are known to be pathogenic (PMID: 23807571, 25614872). This variant has not been reported in the literature in individuals with ATM-related disease. This variant is a gross deletion of the genomic region encompassing part of exon 9 and part of intron 9 (c.1092_1235+363del) of the ATM gene. It is expected to disrupt RNA splicing and likely results in an absent or disrupted protein product.

Literature cited by the submitters: PubMed 23807571; PubMed 25614872.